The following is an entry in ClinVar:

ClinVar aggregate classification (germline): Likely benign (1 of 4 stars; one submission).

Conditions:
Familial thoracic aortic aneurysm and aortic dissection (TAAD). Also called: Thoracic aortic aneurysms and dissections. Identifiers: Orphanet 91387, MedGen C4707243, MONDO:0019625.

Submission:

All of Us Research Program, National Institutes of Health
Classification: Likely benign for Familial thoracic aortic aneurysm and aortic dissection. Last evaluated: 2023-10-02. Review status: criteria provided, single submitter. Criteria: ACMG Guidelines, 2015. Collection method: clinical testing. Allele origin: germline. Inheritance: Autosomal dominant inheritance. Observed: 1 variant allele, 1 heterozygote.
Comment: This study involves interpretation of variants in research participants for the purpose of population health screening. Participant phenotype was not available at the time of variant classification. Additional details can be found in publication PMID: 35346344, PMCID: PMC8962531

NM_002474.3(MYH11):c.3859-3T>C

Genes: NDE1 (nudE neurodevelopment protein 1; plus strand), MYH11 (myosin heavy chain 11; minus strand). Cytogenetic location: 16p13.11.
Variant type: single nucleotide variant.
Coding change: c.3859-3T>C on transcript NM_002474.3 (MANE Select); 3 bases into the intron before coding-DNA position 3859, T replaced by C.
Molecular consequence: intron variant. On other transcripts: 3 prime UTR variant (2).
Genome position (GRCh38, 1-based): chr16:15,724,995, A>G on the plus strand (T>C on the coding strand, the complement: MYH11 is on the minus strand). VCF-style: chr16-15724995-A-G. GRCh37 (hg19) VCF-style: chr16-15818852-A-G.
Other names: c.3859-3T>C (NM_022844.3); c.3880-3T>C (NM_001040114.2, NM_001040113.2); c.*744A>G (NM_001143979.2, NM_017668.3).
Identifiers: ClinVar variation 3073566 (VCV003073566.1), dbSNP rs2040679651, ClinGen allele CA2209918078.